The following is an entry in ClinVar:

NM_000202.8(IDS):c.238C>T (p.Gln80Ter)

Gene: IDS (iduronate 2-sulfatase; minus strand). Cytogenetic location: Xq28.
Variant type: single nucleotide variant.
Coding change: c.238C>T on transcript NM_000202.8 (MANE Select); coding-DNA position 238, C replaced by T.
Protein change: p.Gln80Ter; replaces glutamine 80 with a stop codon.
Molecular consequence: nonsense. On other transcripts: synonymous variant (1), non-coding transcript variant (1).
Genome position (GRCh38, 1-based): chrX:149,504,159, G>A on the plus strand (C>T on the coding strand, the complement: IDS is on the minus strand). VCF-style: chrX-149504159-G-A. GRCh37 (hg19) VCF-style: chrX-148585689-G-A.
Other names: c.12C>T, p.Arg4= (NM_001166550.4); c.238C>T, p.Gln80Ter (NM_006123.5); short protein forms Q80*.
Identifiers: ClinVar variation 633269 (VCV000633269.10), dbSNP rs1569560527, ClinGen allele CA414527128.

ClinVar aggregate classification (germline): Pathogenic. Review status: criteria provided, multiple submitters, no conflicts (2 of 4 stars). 4 submissions from 4 submitters: Pathogenic (4). Last evaluated 2024-06-07.

Conditions:
Mucopolysaccharidosis, MPS-II (MPS2). Also called: IDS deficiency; Sulfoiduronate sulfatase deficiency; SIDS deficiency; Mucopolysaccharidosis type 2; Attenuated MPS (subtype; formerly known as mild MPS II); Severe MPS II. Identifiers: Orphanet 580, Orphanet 79388, MedGen C0026705, MONDO:0010674, OMIM 309900.

Submissions (4):

Laboratory of Diagnosis and Therapy of Lysosomal Disorders, University of Padova
Classification: Pathogenic for Mucopolysaccharidosis, MPS-II. Last evaluated: 2024-06-07. Review status: criteria provided, single submitter. Criteria: ACMG Guidelines, 2015. Collection method: literature only. Allele origin: germline. Affected: yes. Observed: 6 variant alleles.
Comment: Null variant (PVS1_VeryStrong), Prevalence of the variant significantly increased in affected individuals compared with controls (PS4_Supporting), Absent from controls (or at low frequency) in gnomAD database (PM2_Moderate), Patient’s phenotype or family history highly specific for the disease (PP4_Strong)

Classification method: ACMG Guidelines [PMID:25741868] with modifications

Genome-Nilou Lab
Classification: Pathogenic for Mucopolysaccharidosis, MPS-II. Last evaluated: 2021-09-05. Review status: criteria provided, single submitter. Criteria: ACMG Guidelines, 2015. Collection method: clinical testing. Allele origin: germline. Affected: no.

Labcorp Genetics (formerly Invitae), Labcorp
Classification: Pathogenic for Mucopolysaccharidosis, MPS-II. Last evaluated: 2021-08-20. Review status: criteria provided, single submitter. Criteria: Invitae Variant Classification Sherloc (09022015). Collection method: clinical testing. Allele origin: germline.

Women's Health and Genetics/Laboratory Corporation of America, LabCorp
Classification: Pathogenic for Mucopolysaccharidosis, MPS-II. Last evaluated: 2018-07-24. Review status: criteria provided, single submitter. Criteria: LabCorp Variant Classification Summary - May 2015. Collection method: clinical testing. Allele origin: germline.
Comment: Variant summary: IDS c.238C>T (p.Gln80X) results in a premature termination codon, predicted to cause a truncation of the encoded protein or absence of the protein due to nonsense mediated decay, which are commonly known mechanisms for disease. The variant was absent in 169233 control chromosomes (gnomAD). The variant, c.238C>T, has been reported in the literature in individuals affected with severe Mucopolysaccharidosis Type II (Hunter Syndrome) (Carrozzo 1996, Vafiadaki 1998, Wang 2014, Parkinson 2004). These data indicate that the variant is likely to be associated with disease. At least one publication reports experimental evidence evaluating an impact on protein function, by determining enzyme activity from the plasma of patients (Parkinson 2004). The most pronounced variant effect results in <10% of normal activity. No clinical diagnostic laboratories have submitted clinical-significance assessments for this variant to ClinVar after 2014. Based on the evidence outlined above, the variant was classified as pathogenic.

Literature cited by the submitters: PubMed 8829647 (cited by Laboratory of Diagnosis and Therapy of Lysosomal Disorders, University of Padova and Women's Health and Genetics/Laboratory Corporation of America, LabCorp); PubMed 11462244 (cited by Laboratory of Diagnosis and Therapy of Lysosomal Disorders, University of Padova); PubMed 35225932 (cited by Laboratory of Diagnosis and Therapy of Lysosomal Disorders, University of Padova); PubMed 14728992 (cited by Laboratory of Diagnosis and Therapy of Lysosomal Disorders, University of Padova and Women's Health and Genetics/Laboratory Corporation of America, LabCorp); PubMed 9875019 (cited by Laboratory of Diagnosis and Therapy of Lysosomal Disorders, University of Padova and Women's Health and Genetics/Laboratory Corporation of America, LabCorp); PubMed 21829674 (cited by Laboratory of Diagnosis and Therapy of Lysosomal Disorders, University of Padova); PubMed 24268528 (cited by Women's Health and Genetics/Laboratory Corporation of America, LabCorp).